The following is an entry in ClinVar:

NM_001008212.2(OPTN):c.50G>A (p.Ser17Asn)

Genes: OPTN (optineurin; plus strand), LOC108903148 (10p13 OPTN distal Alu-mediated recombination region; plus strand). Cytogenetic location: 10p13.
Variant type: single nucleotide variant.
Coding change: c.50G>A on transcript NM_001008212.2 (MANE Select); coding-DNA position 50, G replaced by A.
Protein change: p.Ser17Asn; replaces serine 17 with asparagine.
Molecular consequence: missense variant.
Genome position (GRCh38, 1-based): chr10:13,109,172, G>A. VCF-style: chr10-13109172-G-A. GRCh37 (hg19) VCF-style: chr10-13151172-G-A.
Other names: c.50G>A, p.Ser17Asn (NM_001008211.1, NM_001008213.1, NM_021980.4); short protein forms S17N.
Identifiers: ClinVar variation 2150488 (VCV002150488.4), dbSNP rs775446537, ClinGen allele CA376027031.
Genomic context (GRCh38, chr10:13,109,172, plus strand): 5'-GAACTTCTGCAATGTCCCATCAACCTCTCAGCTGCCTCACTGAAAAGGAGGACAGCCCCA[G>A]TGAAAGCACAGGAAATGGACCCCCCCACCTGGCCCACCCAAACCTGGACACGTTTACCCC-3'
Protein context (NP_001008213.1, residues 7-27): SCLTEKEDSP[Ser17Asn]ESTGNGPPHL

ClinVar aggregate classification (germline): Uncertain significance (1 of 4 stars; one submission).

Conditions:
Primary open angle glaucoma (POAG). Also called: OPTN-related open angle glaucoma. Identifiers: MedGen C0339573, MONDO:0100553, OMIM 137760.
Glaucoma 1, open angle, E. Identifiers: MedGen C1842026, MONDO:0007665.
Amyotrophic lateral sclerosis type 12 (ALS12). Also called: AMYOTROPHIC LATERAL SCLEROSIS 12 WITH OR WITHOUT FRONTOTEMPORAL DEMENTIA. Identifiers: Orphanet 803, MedGen C3150692, MONDO:0013264, OMIM 613435.

gnomAD v4.1: 2 of 1,614,020 alleles (0.00012%); highest among the groups gnomAD compares: Non-Finnish European, 0.000085%; no homozygotes.

Submission:

Labcorp Genetics (formerly Invitae), Labcorp
Classification: Uncertain significance for Primary open angle glaucoma; Glaucoma 1, open angle, E; Amyotrophic lateral sclerosis type 12. Last evaluated: 2022-08-19. Review status: criteria provided, single submitter. Criteria: Invitae Variant Classification Sherloc (09022015). Collection method: clinical testing. Allele origin: germline.
Comment: This sequence change replaces serine, which is neutral and polar, with asparagine, which is neutral and polar, at codon 17 of the OPTN protein (p.Ser17Asn). This variant has not been reported in the literature in individuals affected with OPTN-related conditions. Algorithms developed to predict the effect of missense changes on protein structure and function output the following: SIFT: "Tolerated"; PolyPhen-2: "Benign"; Align-GVGD: "Class C0". The asparagine amino acid residue is found in multiple mammalian species, which suggests that this missense change does not adversely affect protein function. In summary, the available evidence is currently insufficient to determine the role of this variant in disease. Therefore, it has been classified as a Variant of Uncertain Significance. This variant is not present in population databases (gnomAD no frequency).